The following is an entry in ClinVar:

ClinVar aggregate classification (germline): Uncertain significance (1 of 4 stars; one submission).

Conditions:
Familial thoracic aortic aneurysm and aortic dissection (TAAD). Also called: Thoracic aortic aneurysms and dissections. Identifiers: Orphanet 91387, MedGen C4707243, MONDO:0019625.

Submission:

Ambry Genetics
Classification: Uncertain significance for Familial thoracic aortic aneurysm and aortic dissection. Last evaluated: 2023-05-15. Review status: criteria provided, single submitter. Criteria: Ambry Variant Classification Scheme 2023. Collection method: clinical testing. Allele origin: germline.
Comment: The p.A949V variant (also known as c.2846C>T), located in coding exon 21 of the MYH11 gene, results from a C to T substitution at nucleotide position 2846. The alanine at codon 949 is replaced by valine, an amino acid with similar properties. This amino acid position is conserved. In addition, the in silico prediction for this alteration is inconclusive. Since supporting evidence is limited at this time, the clinical significance of this alteration remains unclear.

NM_002474.3(MYH11):c.2846C>T (p.Ala949Val)

Gene: MYH11 (myosin heavy chain 11; minus strand). Cytogenetic location: 16p13.11.
Variant type: single nucleotide variant.
Coding change: c.2846C>T on transcript NM_002474.3 (MANE Select); coding-DNA position 2846, C replaced by T.
Protein change: p.Ala949Val; replaces alanine 949 with valine.
Molecular consequence: missense variant.
Genome position (GRCh38, 1-based): chr16:15,741,476, G>A on the plus strand (C>T on the coding strand, the complement: MYH11 is on the minus strand). VCF-style: chr16-15741476-G-A. GRCh37 (hg19) VCF-style: chr16-15835333-G-A.
Other names: c.2867C>T, p.Ala956Val (NM_001040113.2, NM_001040114.2); c.2846C>T, p.Ala949Val (NM_022844.3); short protein forms A949V, A956V.
Identifiers: ClinVar variation 2563074 (VCV002563074.2), dbSNP rs985352348, ClinGen allele CA394864922.
Genomic context (GRCh38, chr16:15,741,476, plus strand): 5'-GTCAAGTGATTTGCTACCCACCACGGGCTGCCCCTGTGACACCTTACCAGCATCTGCTGG[G>A]CCATCTTCTTCCTTTCAGCCTGTAGCTGCTGGCCCCTGTCTTCCTCCTCCTCCAGGCGGG-3'
Protein context (NP_002465.1, residues 939-959): QQLQAERKKM[Ala949Val]QQMLDLEEQL